The following is an entry in ClinVar:

ClinVar aggregate classification (germline): Uncertain significance (1 of 4 stars; one submission).

Conditions:
Brugada syndrome 8 (BRGDA8). Identifiers: Orphanet 130, MedGen C2751083, MONDO:0013148, OMIM 613123.

Allele frequency attached by ClinVar (database versions not stated): gnomAD exomes below 0.00001.
gnomAD v4.1: 2 of 1,614,194 alleles (0.00012%); highest among the groups gnomAD compares: Non-Finnish European, 0.00017%; no homozygotes.

Submission:

Labcorp Genetics (formerly Invitae), Labcorp
Classification: Uncertain significance for Brugada syndrome 8. Last evaluated: 2021-12-17. Review status: criteria provided, single submitter. Criteria: Invitae Variant Classification Sherloc (09022015). Collection method: clinical testing. Allele origin: germline.
Comment: In summary, the available evidence is currently insufficient to determine the role of this variant in disease. Therefore, it has been classified as a Variant of Uncertain Significance. Advanced modeling of protein sequence and biophysical properties (such as structural, functional, and spatial information, amino acid conservation, physicochemical variation, residue mobility, and thermodynamic stability) performed at Invitae indicates that this missense variant is not expected to disrupt HCN4 protein function. This variant has not been reported in the literature in individuals affected with HCN4-related conditions. This variant is not present in population databases (gnomAD no frequency). This sequence change replaces valine, which is neutral and non-polar, with methionine, which is neutral and non-polar, at codon 419 of the HCN4 protein (p.Val419Met).

NM_005477.3(HCN4):c.1255G>A (p.Val419Met)

Gene: HCN4 (hyperpolarization activated cyclic nucleotide gated potassium channel 4; minus strand). Cytogenetic location: 15q24.1.
Variant type: single nucleotide variant.
Coding change: c.1255G>A on transcript NM_005477.3 (MANE Select); coding-DNA position 1255, G replaced by A.
Protein change: p.Val419Met; replaces valine 419 with methionine.
Molecular consequence: missense variant.
Genome position (GRCh38, 1-based): chr15:73,332,247, C>T on the plus strand (G>A on the coding strand, the complement: HCN4 is on the minus strand). VCF-style: chr15-73332247-C-T. GRCh37 (hg19) VCF-style: chr15-73624588-C-T.
Other names: short protein forms V419M.
Identifiers: ClinVar variation 1940713 (VCV001940713.5), dbSNP rs2042937876, ClinGen allele CA393094500.